The following is an entry in ClinVar:

NM_001258392.3(CLPB):c.1642C>A (p.Gln548Lys)

Gene: CLPB (ClpB family mitochondrial disaggregase; minus strand). Cytogenetic location: 11q13.4.
Variant type: single nucleotide variant.
Coding change: c.1642C>A on transcript NM_001258392.3 (MANE Select); coding-DNA position 1642, C replaced by A.
Protein change: p.Gln548Lys; replaces glutamine 548 with lysine.
Molecular consequence: missense variant.
Genome position (GRCh38, 1-based): chr11:72,294,363, G>T on the plus strand (C>A on the coding strand, the complement: CLPB is on the minus strand). VCF-style: chr11-72294363-G-T. GRCh37 (hg19) VCF-style: chr11-72005407-G-T.
Other names: c.1555C>A, p.Gln519Lys (NM_001258393.3); c.1597C>A, p.Gln533Lys (NM_001258394.3); c.1732C>A, p.Gln578Lys (NM_030813.6); short protein forms Q548K, Q578K, Q519K, Q533K.
Identifiers: ClinVar variation 4778198 (VCV004778198.1).

ClinVar aggregate classification (germline): Uncertain significance (1 of 4 stars; one submission).

Conditions:
3-methylglutaconic aciduria, type VIIB (MGCA7B). Also called: CLPB Deficiency; 3-methylglutaconic aciduria with cataracts, neurologic involvement and neutropenia; 3-methylglutaconic aciduria, type VII, with cataracts, neurologic involvement and neutropenia. Identifiers: Orphanet 445038, MedGen C5676893, MONDO:0014561, OMIM 616271.

Submission:

Labcorp Genetics (formerly Invitae), Labcorp
Classification: Uncertain significance for 3-methylglutaconic aciduria, type VIIB. Last evaluated: 2025-11-06. Review status: criteria provided, single submitter. Criteria: Invitae Variant Classification Sherloc (09022015). Collection method: clinical testing. Allele origin: germline.
Comment: This sequence change replaces glutamine, which is neutral and polar, with lysine, which is basic and polar, at codon 578 of the CLPB protein (p.Gln578Lys). This variant is not present in population databases (gnomAD no frequency). This variant has not been reported in the literature in individuals affected with CLPB-related conditions. An algorithm developed to predict the effect of missense changes on protein structure and function (PolyPhen-2) suggests that this variant is likely to be tolerated. In summary, the available evidence is currently insufficient to determine the role of this variant in disease. Therefore, it has been classified as a Variant of Uncertain Significance.